The following is an entry in ClinVar:

ClinVar aggregate classification (germline): Likely benign (1 of 4 stars; one submission).

Submission:

CeGaT Center for Human Genetics Tuebingen
Classification: Likely benign. Last evaluated: 2024-11-01. Review status: criteria provided, single submitter. Criteria: CeGaT Center For Human Genetics Tuebingen Variant Classification Criteria Version 2. Collection method: clinical testing. Allele origin: germline. Affected: yes. Observed: 1 variant allele.
Comment: COASY: BP4, BP7

NM_025233.7(COASY):c.393G>A (p.Gln131=)

Gene: COASY (Coenzyme A synthase; plus strand). Cytogenetic location: 17q21.2.
Variant type: single nucleotide variant.
Coding change: c.393G>A on transcript NM_025233.7 (MANE Select); coding-DNA position 393, G replaced by A.
Protein change: p.Gln131=; no amino-acid change (glutamine 131 retained).
Molecular consequence: synonymous variant.
Genome position (GRCh38, 1-based): chr17:42,563,015, G>A. VCF-style: chr17-42563015-G-A. GRCh37 (hg19) VCF-style: chr17-40715033-G-A.
Other names: c.393G>A, p.Gln131= (NM_001042529.3); c.480G>A, p.Gln160= (NM_001042532.4).
Identifiers: ClinVar variation 3389279 (VCV003389279.14).
Genomic context (GRCh38, chr17:42,563,015, plus strand): 5'-AGAAGTCGTGTTGACAGATTTCCAGACCCTGGATGGAAGCCAGTACAACCCGGTCAAACA[G>A]CAGCTAGTGCGTTACGCCACCAGCTGTTACAGCTGTTGTCCGCGACTGGCCTCGGTGCTG-3'
Protein context (NP_079509.5, residues 121-141): LDGSQYNPVK[Gln131=]QLVRYATSCY